The following is an entry in ClinVar:

NM_000090.4(COL3A1):c.1128C>T (p.His376=)

Gene: COL3A1 (collagen type III alpha 1 chain; plus strand). Cytogenetic location: 2q32.2.
Variant type: single nucleotide variant.
Coding change: c.1128C>T on transcript NM_000090.4 (MANE Select); coding-DNA position 1128, C replaced by T.
Protein change: p.His376=; no amino-acid change (histidine 376 retained).
Molecular consequence: synonymous variant.
Genome position (GRCh38, 1-based): chr2:188,993,438, C>T. VCF-style: chr2-188993438-C-T. GRCh37 (hg19) VCF-style: chr2-189858164-C-T.
Other names: p.His376=.
Identifiers: ClinVar variation 459757 (VCV000459757.27), dbSNP rs771015742, ClinGen allele CA073807.
Genomic context (GRCh38, chr2:188,993,438, plus strand): 5'-AGGGTCTCCTGGTTCAAATGGTGCCCCTGGACAAAGAGGAGAACCTGGACCTCAGGGACA[C>T]GCTGGTGCTCAAGGTCCTCCTGTAAGTATCATAGTTGAGAGGGAGTAAGCATAGTTTCAT-3'
Protein context (NP_000081.2, residues 366-386): GQRGEPGPQG[His376=]AGAQGPPGPP

ClinVar aggregate classification (germline): Likely benign. Review status: criteria provided, multiple submitters, no conflicts (2 of 4 stars). 10 submissions from 10 submitters: Likely benign (9). 1 of the submissions does not count toward it. Last evaluated 2026-01-21.

Conditions:
COL3A1-related disorder. Also called: COL3A1-related condition.
Connective tissue disorder. Also called: Connective tissue disease. Identifiers: MedGen C0009782, MONDO:0003900.
Familial thoracic aortic aneurysm and aortic dissection (TAAD). Also called: Thoracic aortic aneurysms and dissections. Identifiers: Orphanet 91387, MedGen C4707243, MONDO:0019625.
Ehlers-Danlos syndrome, type 4 (EDSVASC). Also called: Ehlers-Danlos syndrome vascular type; Ehlers Danlos syndrome, ecchymotic type; Ehlers Danlos syndrome, arterial type; Ehlers Danlos syndrome, Sack-Barabas type; Ehlers-Danlos Syndrome Type IV. Identifiers: Orphanet 286, MedGen C0268338, MONDO:0017314, OMIM 130050.

Allele frequency attached by ClinVar (database versions not stated): TOPMed 0.00004; gnomAD 0.00005 and 0.00006; gnomAD exomes 0.00006 and 0.00007; ExAC 0.00013.
gnomAD v4.1: 100 of 1,556,520 alleles (0.0064%); highest among the groups gnomAD compares: South Asian, 0.034%; 1 homozygote.

Submissions (10):

Labcorp Genetics (formerly Invitae), Labcorp
Classification: Likely benign for Ehlers-Danlos syndrome, type 4. Last evaluated: 2026-01-21. Review status: criteria provided, single submitter. Criteria: Invitae Variant Classification Sherloc (09022015). Collection method: clinical testing. Allele origin: germline.

Women's Health and Genetics/Laboratory Corporation of America, LabCorp
Classification: Likely benign. Last evaluated: 2025-07-30. Review status: criteria provided, single submitter. Criteria: LabCorp Variant Classification Summary - May 2015. Collection method: clinical testing. Allele origin: germline.

ARUP Laboratories, Molecular Genetics and Genomics, ARUP Laboratories
Classification: Likely benign. Last evaluated: 2025-07-10. Review status: criteria provided, single submitter. Criteria: ARUP Molecular Germline Variant Investigation Process 2024. Collection method: clinical testing. Allele origin: germline.

Mayo Clinic Laboratories, Mayo Clinic
Classification: Likely benign. Last evaluated: 2025-04-14. Review status: criteria provided, single submitter. Criteria: ACMG Guidelines, 2015. Collection method: clinical testing. Allele origin: germline. Observed: 2 variant alleles.
Comment: BP4, BP7

Blueprint Genetics
Classification: Likely benign. Last evaluated: 2024-10-24. Review status: criteria provided, single submitter. Criteria: ACMG Guidelines, 2015. Collection method: clinical testing. Allele origin: germline.

Ambry Genetics
Classification: Likely benign for Familial thoracic aortic aneurysm and aortic dissection. Last evaluated: 2024-02-25. Review status: criteria provided, single submitter. Criteria: Ambry Variant Classification Scheme 2023. Collection method: clinical testing. Allele origin: germline.

All of Us Research Program, National Institutes of Health
Classification: Likely benign for Ehlers-Danlos syndrome, type 4. Last evaluated: 2023-12-01. Review status: criteria provided, single submitter. Criteria: ACMG Guidelines, 2015. Collection method: clinical testing. Allele origin: germline. Inheritance: Autosomal dominant inheritance. Observed: 10 variant alleles, 10 heterozygotes.
Comment: This study involves interpretation of variants in research participants for the purpose of population health screening. Participant phenotype was not available at the time of variant classification. Additional details can be found in publication PMID: 35346344, PMCID: PMC8962531

Color Diagnostics, LLC DBA Color Health
Classification: Likely benign for Familial thoracic aortic aneurysm and aortic dissection. Last evaluated: 2018-06-25. Review status: criteria provided, single submitter. Criteria: ACMG Guidelines, 2015. Collection method: clinical testing. Allele origin: germline.

Center for Human Genetics, Inc
Classification: Likely benign for Connective tissue disorder. Last evaluated: 2016-11-01. Review status: criteria provided, single submitter. Criteria: ACMG Guidelines, 2015. Collection method: clinical testing. Allele origin: germline. Affected: yes.

PreventionGenetics, part of Exact Sciences
Classification: Likely benign for COL3A1-related condition. Last evaluated: 2024-01-24. Review status: no assertion criteria provided. Collection method: clinical testing. Allele origin: germline. Not counted in ClinVar's aggregate classification.
Comment: This variant is classified as likely benign based on ACMG/AMP sequence variant interpretation guidelines (Richards et al. 2015 PMID: 25741868, with internal and published modifications).